The following is an entry in ClinVar:

NM_207122.2(EXT2):c.67C>T (p.Arg23Ter)

Gene: EXT2 (exostosin glycosyltransferase 2; plus strand). Cytogenetic location: 11p11.2.
Variant type: single nucleotide variant.
Coding change: c.67C>T on transcript NM_207122.2 (MANE Select); coding-DNA position 67, C replaced by T.
Protein change: p.Arg23Ter; replaces arginine 23 with a stop codon.
Molecular consequence: nonsense.
Genome position (GRCh38, 1-based): chr11:44,107,779, C>T. VCF-style: chr11-44107779-C-T. GRCh37 (hg19) VCF-style: chr11-44129329-C-T.
Other names: c.166C>T, p.Arg56Ter (NM_000401.3); c.67C>T, p.Arg23Ter (NM_001178083.3, NM_001389628.1, NM_001389630.1); short protein forms R23*, R56*.
Identifiers: ClinVar variation 534138 (VCV000534138.25), dbSNP rs754533434, ClinGen allele CA5954811.
Genomic context (GRCh38, chr11:44,107,779, plus strand): 5'-GCGTCGGTCAAGTATAATATCCGGGGTCCTGCCCTCATCCCAAGAATGAAGACCAAGCAC[C>T]GAATCTACTATATCACCCTCTTCTCCATTGTCCTCCTGGGCCTCATTGCCACTGGCATGT-3'

ClinVar aggregate classification (germline): Pathogenic. Review status: criteria provided, multiple submitters, no conflicts (2 of 4 stars). 9 submissions from 9 submitters: Pathogenic (8). 1 of the submissions does not count toward it. Last evaluated 2026-01-07.

Conditions:
EXT2-related disorder. Also called: EXT2-related condition.
EXT2-related disorders.
Exostoses, multiple, type 2 (EXT2). Also called: EXOSTOSES, MULTIPLE, TYPE II; Hereditary Multiple Osteochondromatosis, Type II. Identifiers: Orphanet 321, MedGen C1851413, MONDO:0007586, OMIM 133701.
Seizures-scoliosis-macrocephaly syndrome. Also called: SEIZURES, SCOLIOSIS, AND MACROCEPHALY/MICROCEPHALY SYNDROME; Seizures, scoliosis, and macrocephaly syndrome. Identifiers: Orphanet 466926, MedGen C4225248, MONDO:0014731, OMIM 616682.

Allele frequency attached by ClinVar (database versions not stated): gnomAD exomes 0.00001 and below 0.00001; TOPMed below 0.00001; ExAC 0.00001; gnomAD 0.00001.
gnomAD v4.1: 9 of 1,614,014 alleles (0.00056%); highest among the groups gnomAD compares: South Asian, 0.0011%; no homozygotes.

Submissions (9):

Labcorp Genetics (formerly Invitae), Labcorp
Classification: Pathogenic for Exostoses, multiple, type 2. Last evaluated: 2026-01-07. Review status: criteria provided, single submitter. Criteria: Invitae Variant Classification Sherloc (09022015). Collection method: clinical testing. Allele origin: germline.
Comment: This sequence change creates a premature translational stop signal (p.Arg23*) in the EXT2 gene. It is expected to result in an absent or disrupted protein product. Loss-of-function variants in EXT2 are known to be pathogenic (PMID: 10679937, 19810120). This variant is present in population databases (rs754533434, gnomAD 0.003%). This premature translational stop signal has been observed in individual(s) with multiple osteochondromas (PMID: 9463333, 25591329, 25744876). It has also been observed to segregate with disease in related individuals. Invitae Evidence Modeling of clinical and family history, age, sex, and reported ancestry of multiple individuals with this EXT2 variant has been performed. This variant is expected to be pathogenic with a positive predictive value of at least 99%. This is a validated machine learning model that incorporates the clinical features of 66,185 individuals referred to our laboratory for EXT2 testing. ClinVar contains an entry for this variant (Variation ID: 534138). For these reasons, this variant has been classified as Pathogenic.

Variantyx, Inc.
Classification: Pathogenic for Exostoses, multiple, type 2. Last evaluated: 2025-04-08. Review status: criteria provided, single submitter. Criteria: Variantyx Assertion Criteria 2022. Collection method: clinical testing. Allele origin: germline. Inheritance: Autosomal dominant inheritance. Affected: yes.
Comment: This is a nonsense variant in the EXT2 gene (OMIM: 608210). Pathogenic variants in this gene have been associated with autosomal dominant multiple exostoses type 2. This variant introduces a premature termination codon in exon 2 out of 14 and is expected to result in loss of function, which is a known disease mechanism for EXT2 in this disorder (PMID: 10679937, 19810120) (PVS1). This variant has been reported in at least six unrelated affected individuals (PMID: 9463333, 25744876, 28690282 , 29541207, 17301954, 22820392) (PS4_Moderate) and it has been observed to segregate with disease in at least four individuals from one family (PMID: 29541207) (PP1). This variant has a 0.0011% maximum allele frequency in non-founder control populations (PM2). Based on the current evidence, this variant is classified as pathogenic for autosomal dominant multiple exostoses type 2.

Blueprint Genetics
Classification: Pathogenic for EXT2-related disorders. Last evaluated: 2024-10-11. Review status: criteria provided, single submitter. Criteria: ACMG Guidelines, 2015. Collection method: clinical testing. Allele origin: germline. Affected: yes. Observed: 5 variant alleles.

3billion
Classification: Pathogenic for Exostoses, multiple, type 2. Last evaluated: 2024-08-20. Review status: criteria provided, single submitter. Criteria: ACMG Guidelines, 2015. Collection method: clinical testing. Allele origin: germline. Affected: yes.
Comment: The variant is observed at an extremely low frequency in the gnomAD v4.0.0 dataset (total allele frequency: <0.001%). Predicted Consequence/Location: Stop-gained (nonsense): predicted to result in a loss or disruption of normal protein function through nonsense-mediated decay (NMD) or protein truncation. Multiple pathogenic variants are reported downstream of the variant. The variant has been reported at least twice as pathogenic with clinical assertions and evidence for the classification (ClinVar ID: VCV000534138 /PMID: 9463333). Therefore, this variant is classified as Pathogenic according to the recommendation of ACMG/AMP guideline.

GeneDx
Classification: Pathogenic. Last evaluated: 2024-02-23. Review status: criteria provided, single submitter. Criteria: GeneDx Variant Classification Process June 2021. Collection method: clinical testing. Allele origin: germline. Affected: yes.
Comment: Identified in patients with hereditary multiple osteochondromas referred for genetic testing at GeneDx and in published literature (PMID: 9463333, 30334991, 25591329); Nonsense variant predicted to result in protein truncation or nonsense mediated decay in a gene for which loss-of-function is a known mechanism of disease; Not observed at a significant frequency in large population cohorts (gnomAD); This variant is associated with the following publications: (PMID: 25525159, 25744876, 30334991, 30806661, 28690282, 9463333, 25591329, 35806987, 29541207)

Baylor Genetics
Classification: Pathogenic for Exostoses, multiple, type 2. Last evaluated: 2023-08-23. Review status: criteria provided, single submitter. Criteria: ACMG Guidelines, 2015. Collection method: clinical testing. Allele origin: unknown.

Institute of Medical Genetics and Applied Genomics, University Hospital Tübingen
Classification: Pathogenic. Last evaluated: 2020-10-23. Review status: criteria provided, single submitter. Criteria: ACMG Guidelines, 2015. Collection method: clinical testing. Allele origin: germline. Inheritance: Autosomal unknown. Affected: yes.

Juno Genomics, Hangzhou Juno Genomics, Inc
Classification: Pathogenic for Seizures-scoliosis-macrocephaly syndrome; Exostoses, multiple, type 2. Review status: criteria provided, single submitter. Criteria: ACMG Guidelines, 2015. Collection method: clinical testing. Allele origin: germline. Affected: yes.
Comment: Absent from controls (or at extremely low frequency if recessive) in Genome Aggregation Database.;Null variant in a gene where loss of function (LOF) is a known mechanism of disease.;The prevalence of the variant in affected individuals is significantly increased compared to the prevalence in controls.;Patient's phenotype or family history is highly specific for a disease with a single genetic etiology.;Co-segregation with disease in multiple affected family members.

PreventionGenetics, part of Exact Sciences
Classification: Pathogenic for EXT2-related condition. Last evaluated: 2024-05-23. Review status: no assertion criteria provided. Collection method: clinical testing. Allele origin: germline. Not counted in ClinVar's aggregate classification.
Comment: The EXT2 c.67C>T variant is predicted to result in premature protein termination (p.Arg23*). This variant has been reported in individuals with hereditary multiple osteochondromas (HMO) and it has been observed to co-segregate with disease in several families (see for example, Wuyts et al. 1998. PubMed ID: 9463333; Musso et al. 2015. PubMed ID: 25744876; Ruan et al. 2018. PubMed ID: 29541207; Fusco et al. 2019. PubMed ID: 30806661; Kim et al. 2022. PubMed ID: 35806987). This variant is reported in 0.0033% of alleles in individuals of South Asian descent in gnomAD. Nonsense variants in EXT2 are expected to be pathogenic. This variant is interpreted as pathogenic.

Literature cited by the submitters: PubMed 10679937 (cited by Labcorp Genetics (formerly Invitae), Labcorp and Variantyx, Inc.); PubMed 19810120 (cited by Labcorp Genetics (formerly Invitae), Labcorp and Variantyx, Inc.); PubMed 9463333 (cited by 3 submitters); PubMed 25591329 (cited by Labcorp Genetics (formerly Invitae), Labcorp); PubMed 25744876 (cited by Labcorp Genetics (formerly Invitae), Labcorp and Variantyx, Inc.); PubMed 28690282 (cited by Variantyx, Inc.); PubMed 29541207 (cited by Variantyx, Inc.); PubMed 17301954 (cited by Variantyx, Inc.); PubMed 22820392 (cited by Variantyx, Inc.).